The following is an entry in ClinVar:

ClinVar aggregate classification (germline): Uncertain significance. Review status: criteria provided, multiple submitters, no conflicts (2 of 4 stars). 2 submissions from 2 submitters: Uncertain significance (2). Last evaluated 2020-09-23.

Conditions:
Hereditary cancer-predisposing syndrome. Also called: Tumor predisposition; Hereditary neoplastic syndrome; Hereditary Cancer Syndrome; Neoplastic Syndromes, Hereditary. Identifiers: Orphanet 140162, MedGen C0027672, MeSH D009386, MONDO:0015356.

gnomAD v4.1: 1 of 1,613,528 alleles (0.000062%); highest among the groups gnomAD compares: Non-Finnish European, 0.000085%; no homozygotes.

Submissions (2):

Ambry Genetics
Classification: Uncertain significance for Hereditary cancer-predisposing syndrome. Last evaluated: 2020-09-23. Review status: criteria provided, single submitter. Criteria: Ambry Variant Classification Scheme 2023. Collection method: clinical testing. Allele origin: germline.
Comment: The p.D943N variant (also known as c.2827G>A), located in coding exon 21 of the MSH3 gene, results from a G to A substitution at nucleotide position 2827. The aspartic acid at codon 943 is replaced by asparagine, an amino acid with highly similar properties. This amino acid position is highly conserved in available vertebrate species. In addition, the in silico prediction for this alteration is inconclusive. Since supporting evidence is limited at this time, the clinical significance of this alteration remains unclear.

Labcorp Genetics (formerly Invitae), Labcorp
Classification: Uncertain significance. Last evaluated: 2019-08-29. Review status: criteria provided, single submitter. Criteria: Invitae Variant Classification Sherloc (09022015). Collection method: clinical testing. Allele origin: germline.
Comment: Algorithms developed to predict the effect of missense changes on protein structure and function are either unavailable or do not agree on the potential impact of this missense change (SIFT: "Deleterious"; PolyPhen-2: "Probably Damaging"; Align-GVGD: "Class C0"). This variant has not been reported in the literature in individuals with MSH3-related conditions. This variant is not present in population databases (ExAC no frequency). This sequence change replaces aspartic acid with asparagine at codon 943 of the MSH3 protein (p.Asp943Asn). The aspartic acid residue is moderately conserved and there is a small physicochemical difference between aspartic acid and asparagine. In summary, the available evidence is currently insufficient to determine the role of this variant in disease. Therefore, it has been classified as a Variant of Uncertain Significance.

NM_002439.5(MSH3):c.2827G>A (p.Asp943Asn)

Gene: MSH3 (mutS homolog 3; plus strand). Cytogenetic location: 5q14.1.
Variant type: single nucleotide variant.
Coding change: c.2827G>A on transcript NM_002439.5 (MANE Select); coding-DNA position 2827, G replaced by A.
Protein change: p.Asp943Asn; replaces aspartic acid 943 with asparagine.
Molecular consequence: missense variant.
Genome position (GRCh38, 1-based): chr5:80,854,143, G>A. VCF-style: chr5-80854143-G-A. GRCh37 (hg19) VCF-style: chr5-80149962-G-A.
Other names: short protein forms D943N.
Identifiers: ClinVar variation 937059 (VCV000937059.12), dbSNP rs1745876335, ClinGen allele CA360275478.